The following is an entry in ClinVar:

ClinVar aggregate classification (germline): Conflicting classifications of pathogenicity. Review status: criteria provided, conflicting classifications (1 of 4 stars). 22 submissions from 22 submitters: Pathogenic (13); Likely pathogenic (7); Uncertain significance (1). 1 of the submissions does not count toward it. Last evaluated 2026-10-20.

Conditions:
PARK2-related Parkinson diseases.
PRKN-related disorder. Also called: PRKN-related condition.
PARK2-related disorders.
Young-onset Parkinson disease. Identifiers: Orphanet 2828, MedGen C4275179, MONDO:0017279.
Ovarian neoplasm. Also called: Ovarian Neoplasms; Neoplasm of ovary; Ovarian tumor. Identifiers: MedGen C0919267, MeSH D010051, MONDO:0021068, HP:0100615.
Autosomal recessive juvenile Parkinson disease 2. Also called: PRKN-Related Early-Onset Parkinson Disease; Parkinson disease, juvenile, type 2; PARKINSON DISEASE, JUVENILE, AUTOSOMAL RECESSIVE; Parkinson disease autosomal recessive, early onset; Juvenile parkinsonism; Parkinsonism, early onset, with diurnal fluctuation. Identifiers: Orphanet 2828, MedGen C1868675, MONDO:0010820, OMIM 600116.

Allele frequency attached by ClinVar (database versions not stated): gnomAD 0.00016 and 0.00023; 1000 Genomes Project 0.00020; TOPMed 0.00022; 1000 Genomes Project 30x 0.00062.

Submissions 1 to 11 of 22:

GeneDx
Classification: Pathogenic. Last evaluated: 2026-10-20. Review status: criteria provided, single submitter. Criteria: GeneDx Variant Classification Process June 2021. Collection method: clinical testing. Allele origin: germline.
Comment: In silico analysis suggests that this missense variant does not alter protein structure/function; This variant is associated with the following publications: (PMID: 40617169, 36570531, 32807662, 16367892, 24167364, 12629236, 26274610, 26556299, 12764050, 18973255, 23275044, 18519021, 19205068, 30200940, 31409571, 33019779, 32802956, 32849182, 33640967, 18211709, 25877876, 34426522, 32870915, 33045815, 34434164, 35752680, 37750340, 36781956, 16227559, 30994895, 38546204, 37209484, 16476817)

OLLIN Analises Genomicas, OLLIN
Classification: Pathogenic for Autosomal recessive juvenile Parkinson disease 2. Last evaluated: 2026-02-13. Review status: criteria provided, single submitter. Criteria: ACMG Guidelines 2015 PMID 25741868. Collection method: clinical testing. Allele origin: germline. Observed: 1 variant allele.
Comment: PS4_M, PM3_VS, PP1, PP3

Dasa
Classification: Pathogenic. Last evaluated: 2026-02-10. Review status: criteria provided, single submitter. Criteria: DASA Assertion Criteria. Collection method: clinical testing. Allele origin: germline.
Comment: NM_004562.3(PRKN):c.719C>T (p.Thr240Met) is a missense variant that results in the substitution of threonine with methionine. Functional evidence supports a deleterious effect on the gene or gene product (PMID: 12764050; PMID: 16476817; PMID: 18519021; PMID: 18973255; PMID: 19205068). This variant has been recurrently observed in individuals with related phenotype (PMID: 12764050; PMID: 16476817; PMID: 18519021; PMID: 18973255; PMID: 19205068). Segregation evidence has been reported in affected families. The variant is present at low frequency in population datasets. Based on the available data, this variant is classified as pathogenic.

Labcorp Genetics (formerly Invitae), Labcorp
Classification: Pathogenic. Last evaluated: 2026-01-06. Review status: criteria provided, single submitter. Criteria: Invitae Variant Classification Sherloc (09022015). Collection method: clinical testing. Allele origin: germline.
Comment: This sequence change replaces threonine, which is neutral and polar, with methionine, which is neutral and non-polar, at codon 240 of the PRKN protein (p.Thr240Met). This variant is present in population databases (rs137853054, gnomAD 0.2%). This missense change has been observed in individual(s) with early onset Parkinson's disease (PMID: 12764050, 16476817, 18519021, 18973255, 19205068, 23275044, 26274610). In at least one individual the data is consistent with being in trans (on the opposite chromosome) from a pathogenic variant. It has also been observed to segregate with disease in related individuals. ClinVar contains an entry for this variant (Variation ID: 7054). Invitae Evidence Modeling of protein sequence and biophysical properties (such as structural, functional, and spatial information, amino acid conservation, physicochemical variation, residue mobility, and thermodynamic stability) has been performed for this missense variant. However, the output from this modeling did not meet the statistical confidence thresholds required to predict the impact of this variant on PRKN protein function. For these reasons, this variant has been classified as Pathogenic.

Rady Children's Institute for Genomic Medicine, Rady Children's Hospital San Diego
Classification: Pathogenic for PARK2-related Parkinson diseases. Last evaluated: 2025-12-11. Review status: criteria provided, single submitter. Criteria: ACMG Guidelines, 2015. Collection method: clinical testing. Allele origin: germline. Affected: yes.
Comment: The c.719C>T (p.Thr240Met) variant affects a weakly conserved amino acid; however, in silico analyses predict a deleterious effect on protein function. This variant has been observed in the homozygous and compound heterozygous states in patients with early-onset Parkinson disease, including multiple affected individuals within the same family (PMID: 16227559, 16476817, 19205068, 16476817). Different amino acid changes at the same residue (p.Thr240Arg and p.Thr240Lys) have been previously reported in individuals with early-onset Parkinson disease (PMID 9731209, 31929871). Functional studies using glioma cell lines, soft agar colony formation assays, and ubiquitination assays suggested that the c.719C>T (p.Thr240Met) variant in PARK2 acts as a loss-of-function mutation, abolishing its ability to suppress cell growth by impairing ubiquitination and degradation of Î²-catenin and EGFR (PMID: 25877876). The c.719C>T (p.Thr240Met) variant is present in the latest version of the gnomAD population database at an allele frequency of 0.03% (442/1610406), including 1 homozygous individuals. Based on the available evidence, c.719C>T (p.Thr240Met) is classified as Pathogenic.

PreventionGenetics, part of Exact Sciences
Classification: Likely pathogenic for PRKN-related condition. Last evaluated: 2025-10-11. Review status: criteria provided, single submitter. Criteria: ACMG Guidelines, 2015. Collection method: clinical testing. Allele origin: germline.
Comment: The PRKN c.719C>T variant is predicted to result in the amino acid substitution p.Thr240Met. This variant has been reported in the compound heterozygous state in patients with early onset Parkinson disease (Deng et al. 2006. PubMed ID: 16476817; Camargos et al. 2009. PubMed ID: 19205068). This variant has also been reported in the heterozygous state without a potentially causative second variant in patients with early and late onset Parkinson disease (Moura et al. 2013. PubMed ID: 24167364; Foroud et al. 2003. PubMed ID: 12629236; Figure S1, Al-Mubarak et al. 2015. PubMed ID: 26274610; Bras et al. 2008. PubMed ID: 18211709; Camargos et al. 2009. PubMed ID: 19205068). Of note, another missense variant affecting the same amino acid (p.Thr240Arg) has also been reported to be causative for early onset Parkinson disease (HGMD database; Fiesel et al. 2015. PubMed ID: 25939424). This variant is reported in 0.17% of alleles in individuals of South Asian descent in gnomAD and has been consistently classified as pathogenic/likely pathogenic in ClinVar. This variant is interpreted as likely pathogenic.

First Genomix Gene Laboratory, Genetic Diagnostics Department
Classification: Pathogenic for Autosomal recessive juvenile Parkinson disease 2. Last evaluated: 2025-01-11. Review status: criteria provided, single submitter. Criteria: ACMG Guidelines, 2015. Collection method: clinical testing. Allele origin: germline. Inheritance: Autosomal recessive inheritance. Affected: no. Observed: 1 variant allele.

Revvity Omics, Revvity
Classification: Likely pathogenic for Autosomal recessive juvenile Parkinson disease 2. Last evaluated: 2024-10-31. Review status: criteria provided, single submitter. Criteria: ACMG Guidelines, 2015. Collection method: clinical testing. Allele origin: germline.

Blueprint Genetics
Classification: Likely pathogenic for PARK2-related disorders. Last evaluated: 2024-10-30. Review status: criteria provided, single submitter. Criteria: ACMG Guidelines, 2015. Collection method: clinical testing. Allele origin: germline. Affected: yes. Observed: 5 variant alleles.

Genomic Medicine Center of Excellence, King Faisal Specialist Hospital and Research Centre
Classification: Likely pathogenic for Autosomal recessive juvenile Parkinson disease 2. Last evaluated: 2024-03-26. Review status: criteria provided, single submitter. Criteria: ACMG Guidelines, 2015. Collection method: clinical testing. Allele origin: germline.

Women's Health and Genetics/Laboratory Corporation of America, LabCorp
Classification: Pathogenic for Autosomal recessive juvenile Parkinson disease 2. Last evaluated: 2023-08-30. Review status: criteria provided, single submitter. Criteria: LabCorp Variant Classification Summary - May 2015. Collection method: clinical testing. Allele origin: germline.
Comment: Variant summary: PARK2 c.719C>T (p.Thr240Met) results in a non-conservative amino acid change located in the RING/Ubox-like zinc-binding domain (IPR041170) of the encoded protein sequence. Three of five in-silico tools predict a damaging effect of the variant on protein function. The variant allele was found at a frequency of 0.00037 in 251448 control chromosomes (gnomAD). c.719C>T has been reported in the literature in multiple bi-allelic individuals affected with Autosomal Recessive Juvenile Parkinson Disease (examples: Foroud_2003, Periquet_2003, Madegowda_2005, Camargos_2009) and in at-least one of these families the variant segregated with the disease (Deng_2006). These data indicate that the variant is very likely to be associated with disease. The following publications have been ascertained in the context of this evaluation (PMID: 19205068 , 12764050, 12629236, 16227559, 16476817). Eleven submitters have cited clinical-significance assessments for this variant to ClinVar after 2014 and classified the variant as pathogenic/likely pathogenic (n=10) and VUS (n=1). Based on the evidence outlined above, the variant was classified as pathogenic.

NM_004562.3(PRKN):c.719C>T (p.Thr240Met)

Gene: PRKN (parkin RBR E3 ubiquitin protein ligase; minus strand). Cytogenetic location: 6q26.
Variant type: single nucleotide variant.
Coding change: c.719C>T on transcript NM_004562.3 (MANE Select); coding-DNA position 719, C replaced by T.
Protein change: p.Thr240Met; replaces threonine 240 with methionine.
Molecular consequence: missense variant.
Genome position (GRCh38, 1-based): chr6:161,973,317, G>A on the plus strand (C>T on the coding strand, the complement: PRKN is on the minus strand). VCF-style: chr6-161973317-G-A. GRCh37 (hg19) VCF-style: chr6-162394349-G-A.
Other names: c.635C>T, p.Thr212Met (NM_013987.3); c.272C>T, p.Thr91Met (NM_013988.3); short protein forms T240M, T212M, T91M.
Identifiers: ClinVar variation 7054 (VCV000007054.71), dbSNP rs137853054, ClinGen allele CA254089.